The following is an entry in ClinVar:

NM_003628.6(PKP4):c.1217C>T (p.Ser406Phe)

Gene: PKP4 (plakophilin 4; plus strand). Cytogenetic location: 2q24.1.
Variant type: single nucleotide variant.
Coding change: c.1217C>T on transcript NM_003628.6 (MANE Select); coding-DNA position 1217, C replaced by T.
Protein change: p.Ser406Phe; replaces serine 406 with phenylalanine.
Molecular consequence: missense variant.
Genome position (GRCh38, 1-based): chr2:158,631,816, C>T. VCF-style: chr2-158631816-C-T. GRCh37 (hg19) VCF-style: chr2-159488328-C-T.
Other names: c.1217C>T, p.Ser406Phe (NM_001005476.4, NM_001304969.3, NM_001304971.2 and 6 more transcripts); c.191C>T, p.Ser64Phe (NM_001304970.3); c.1211C>T, p.Ser404Phe (NM_001377222.1, NM_001377223.1, NM_001377224.1); short protein forms S404F, S406F, S64F.
Identifiers: ClinVar variation 3223486 (VCV003223486.1), dbSNP rs764985862, ClinGen allele CA1920638.

ClinVar aggregate classification (germline): Uncertain significance (1 of 4 stars; one submission).

Allele frequency attached by ClinVar (database versions not stated): ExAC 0.00001.

Submission:

Ambry Genetics
Classification: Uncertain significance. Last evaluated: 2023-10-19. Review status: criteria provided, single submitter. Criteria: Ambry Variant Classification Scheme 2023. Collection method: clinical testing. Allele origin: germline.
Comment: The p.S406F variant (also known as c.1217C>T), located in coding exon 7 of the PKP4 gene, results from a C to T substitution at nucleotide position 1217. The serine at codon 406 is replaced by phenylalanine, an amino acid with highly dissimilar properties. This amino acid position is conserved. In addition, this alteration is predicted to be deleterious by in silico analysis. Since supporting evidence is limited at this time, the clinical significance of this alteration remains unclear.